The following is an entry in ClinVar:

ClinVar aggregate classification (germline): Uncertain significance. Review status: criteria provided, multiple submitters, no conflicts (2 of 4 stars). 4 submissions from 2 submitters: Uncertain significance (4). Last evaluated 2018-01-13.

Conditions:
Maturity-onset diabetes of the young type 13. Also called: MODY, TYPE 13. Identifiers: Orphanet 552, MedGen C4225365, MONDO:0014589, OMIM 616329.
Maturity-onset diabetes of the young (MODY). Also called: Maturity onset diabetes mellitus in young. Identifiers: Orphanet 552, MedGen C0342276, MONDO:0018911, HP:0004904.
Diabetes mellitus, transient neonatal, 3 (TNDM3). Identifiers: Orphanet 99886, MedGen C1864623, MONDO:0012522, OMIM 610582. Disease mechanism: loss of function.
Hyperinsulinemic hypoglycemia, familial, 2. Also called: HYPERINSULINEMIC HYPOGLYCEMIA, PERSISTENT; HYPERINSULINISM, NEONATAL. Identifiers: Orphanet 276580, Orphanet 276603, MedGen C2931833, MONDO:0011153, OMIM 601820. Disease mechanism: loss of function.

Submissions (4):

Illumina Laboratory Services, Illumina
Classification: Uncertain significance for Diabetes mellitus, transient neonatal, 3. Last evaluated: 2018-01-13. Review status: criteria provided, single submitter. Criteria: ICSL Variant Classification Criteria 13 December 2019. Collection method: clinical testing. Allele origin: germline.

Illumina Laboratory Services, Illumina
Classification: Uncertain significance for Hyperinsulinemic hypoglycemia, familial, 2. Last evaluated: 2018-01-13. Review status: criteria provided, single submitter. Criteria: ICSL Variant Classification Criteria 13 December 2019. Collection method: clinical testing. Allele origin: germline.

Illumina Laboratory Services, Illumina
Classification: Uncertain significance for Maturity-onset diabetes of the young type 13. Last evaluated: 2018-01-13. Review status: criteria provided, single submitter. Criteria: ICSL Variant Classification Criteria 13 December 2019. Collection method: clinical testing. Allele origin: germline.

Clinical Genomics, Uppaluri K&H Personalized Medicine Clinic
Classification: Uncertain significance for Maturity-onset diabetes of the young. Review status: criteria provided, single submitter. Criteria: K & H Uppaluri Personalized Medicine Clinic Variant Classification & Assertion Criteria_Updated V.1. Collection method: research. Allele origin: somatic. Inheritance: Autosomal dominant inheritance.
Comment: Mutations in KCNJ11 gene can cause decreased production and secretion of insulin. This can lead to MODY which may be responsive to oral sulfonylureas. It is also associated with Neonatal Diabetes. However, no sufficient evidence is found to ascertain the role of this particular variant (rs886048036) in MODY yet.

Literature cited by the submitters: PubMed 26448950 (cited by Clinical Genomics, Uppaluri K&H Personalized Medicine Clinic); PubMed 15580558 (cited by Clinical Genomics, Uppaluri K&H Personalized Medicine Clinic); PubMed 15718250 (cited by Clinical Genomics, Uppaluri K&H Personalized Medicine Clinic); PubMed 32935446 (cited by Clinical Genomics, Uppaluri K&H Personalized Medicine Clinic); PubMed 22701567 (cited by Clinical Genomics, Uppaluri K&H Personalized Medicine Clinic).

NM_000525.4(KCNJ11):c.*678C>T

Gene: KCNJ11 (potassium inwardly rectifying channel subfamily J member 11; minus strand). Cytogenetic location: 11p15.1.
Variant type: single nucleotide variant.
Coding change: c.*678C>T on transcript NM_000525.4 (MANE Select); 678 bases downstream of the stop codon, C replaced by T.
Molecular consequence: 3 prime UTR variant.
Genome position (GRCh38, 1-based): chr11:17,386,241, G>A on the plus strand (C>T on the coding strand, the complement: KCNJ11 is on the minus strand). VCF-style: chr11-17386241-G-A. GRCh37 (hg19) VCF-style: chr11-17407788-G-A.
Other names: c.*678C>T (NM_001166290.2, NM_001377296.1, NM_001377297.1).
Identifiers: ClinVar variation 303718 (VCV000303718.6), dbSNP rs886048036, ClinGen allele CA10630454.